The following is an entry in ClinVar:

NM_199420.4(POLQ):c.6391G>T (p.Asp2131Tyr)

Gene: POLQ (DNA polymerase theta; minus strand). Cytogenetic location: 3q13.33.
Variant type: single nucleotide variant.
Coding change: c.6391G>T on transcript NM_199420.4 (MANE Select); coding-DNA position 6391, G replaced by T.
Protein change: p.Asp2131Tyr; replaces aspartic acid 2131 with tyrosine.
Molecular consequence: missense variant.
Genome position (GRCh38, 1-based): chr3:121,476,554, C>A on the plus strand (G>T on the coding strand, the complement: POLQ is on the minus strand). VCF-style: chr3-121476554-C-A. GRCh37 (hg19) VCF-style: chr3-121195401-C-A.
Other names: short protein forms D2131Y.
Identifiers: ClinVar variation 3422671 (VCV003422671.1).

ClinVar aggregate classification (germline): Uncertain significance (1 of 4 stars; one submission).

gnomAD v4.1: 2 of 1,613,022 alleles (0.00012%); highest among the groups gnomAD compares: South Asian, 0.0022%; no homozygotes.

Submission:

Ambry Genetics
Classification: Uncertain significance. Last evaluated: 2024-11-17. Review status: criteria provided, single submitter. Criteria: Ambry Variant Classification Scheme 2023. Collection method: clinical testing. Allele origin: germline.
Comment: The p.D2131Y variant (also known as c.6391G>T), located in coding exon 20 of the POLQ gene, results from a G to T substitution at nucleotide position 6391. The aspartic acid at codon 2131 is replaced by tyrosine, an amino acid with highly dissimilar properties. This amino acid position is conserved. In addition, the in silico prediction for this alteration is inconclusive. Based on the available evidence, the clinical significance of this variant remains unclear.